The following is an entry in ClinVar:

ClinVar aggregate classification (germline): Pathogenic (1 of 4 stars; one submission).

Conditions:
Intellectual disability, CASK-related, X-linked. Identifiers: MedGen CN043158.

Submission:

Labcorp Genetics (formerly Invitae), Labcorp
Classification: Pathogenic for Intellectual disability, CASK-related, X-linked. Last evaluated: 2022-04-01. Review status: criteria provided, single submitter. Criteria: Invitae Variant Classification Sherloc (09022015). Collection method: clinical testing. Allele origin: germline.
Comment: This variant has not been reported in the literature in individuals affected with CASK-related conditions. For these reasons, this variant has been classified as Pathogenic. This variant is not present in population databases (gnomAD no frequency). This sequence change creates a premature translational stop signal (p.Glu153Leufs*5) in the CASK gene. It is expected to result in an absent or disrupted protein product. Loss-of-function variants in CASK are known to be pathogenic (PMID: 19165920, 20029458, 21954287, 22452838, 22709267).

Literature cited by the submitters: PubMed 19165920; PubMed 20029458; PubMed 21954287; PubMed 22452838; PubMed 22709267.

NM_001367721.1(CASK):c.457_461del (p.Glu153fs)

Gene: CASK (calcium/calmodulin dependent serine protein kinase; minus strand). Cytogenetic location: Xp11.4.
Variant type: Deletion.
Coding change: c.457_461del on transcript NM_001367721.1 (MANE Select); coding-DNA positions 457 to 461, 5 bases deleted (GAAAA; older notation c.457_461delGAAAA).
Protein change: p.Glu153fs; shifts the reading frame from glutamic acid 153.
Molecular consequence: frameshift variant.
Genome position (GRCh38, 1-based): chrX:41,671,499-41,671,503, TTTTC deleted on the plus strand (GAAAA on the coding strand, the reverse complement: CASK is on the minus strand); deleting any 5 consecutive bases within chrX:41,671,499-41,671,507 gives the same sequence; the c. name uses the placement nearest the transcript's 3' end. VCF-style (leftmost placement, unchanged base first): chrX-41671498-GTTTTC-G. GRCh37 (hg19) VCF-style: chrX-41530751-GTTTTC-G.
Other names: c.453_457delAAAAG, p.Glu153Leufs (NM_001126054.3, NM_001126055.3, NM_001410745.1 and 1 more transcripts); short protein forms E153fs.
Identifiers: ClinVar variation 2120788 (VCV002120788.4), dbSNP rs2519234724, ClinGen allele CA2580100890.